The following is an entry in ClinVar:

ClinVar aggregate classification (germline): Uncertain significance (1 of 4 stars; one submission).

Conditions:
Ataxia-telangiectasia syndrome (AT). Also called: ATAXIA-TELANGIECTASIA, FRESNO VARIANT; Ataxia-telangiectasia, complementation group E; Ataxia telangiectasia (A-T); Cerebello-oculocutaneous telangiectasia; Immunodeficiency with ataxia telangiectasia; LOUIS-BAR SYNDROME. Identifiers: Orphanet 100, MedGen C0004135, MONDO:0008840, OMIM 208900.

Submission:

Labcorp Genetics (formerly Invitae), Labcorp
Classification: Uncertain significance for Ataxia-telangiectasia syndrome. Last evaluated: 2018-08-15. Review status: criteria provided, single submitter. Criteria: Invitae Variant Classification Sherloc (09022015). Collection method: clinical testing. Allele origin: germline.
Comment: This sequence change replaces valine with glutamic acid at codon 1600 of the ATM protein (p.Val1600Glu). The valine residue is moderately conserved and there is a moderate physicochemical difference between valine and glutamic acid. This variant is not present in population databases (ExAC no frequency). This variant has not been reported in the literature in individuals with ATM-related disease. Algorithms developed to predict the effect of missense changes on protein structure and function are either unavailable or do not agree on the potential impact of this missense change (SIFT: "Tolerated"; PolyPhen-2: "Possibly Damaging"; Align-GVGD: "Class C0"). In summary, the available evidence is currently insufficient to determine the role of this variant in disease. Therefore, it has been classified as a Variant of Uncertain Significance.

NM_000051.4(ATM):c.4799T>A (p.Val1600Glu)

Gene: ATM (ATM serine/threonine kinase; plus strand). Cytogenetic location: 11q22.3.
Variant type: single nucleotide variant.
Coding change: c.4799T>A on transcript NM_000051.4 (MANE Select); coding-DNA position 4799, T replaced by A.
Protein change: p.Val1600Glu; replaces valine 1600 with glutamic acid.
Molecular consequence: missense variant.
Genome position (GRCh38, 1-based): chr11:108,294,949, T>A. VCF-style: chr11-108294949-T-A. GRCh37 (hg19) VCF-style: chr11-108165676-T-A.
Other names: c.4799T>A, p.Val1600Glu (NM_001351834.2); short protein forms V1600E.
Identifiers: ClinVar variation 646637 (VCV000646637.8), dbSNP rs1591684386, ClinGen allele CA382536394.